The following is an entry in ClinVar:

NM_001366385.1(CARD14):c.2920G>A (p.Gly974Ser)

Genes: SGSH (N-sulfoglucosamine sulfohydrolase; minus strand), CARD14 (caspase recruitment domain family member 14; plus strand). Cytogenetic location: 17q25.3.
Variant type: single nucleotide variant.
Coding change: c.2920G>A on transcript NM_001366385.1 (MANE Select); coding-DNA position 2920, G replaced by A.
Protein change: p.Gly974Ser; replaces glycine 974 with serine.
Molecular consequence: missense variant. On other transcripts: non-coding transcript variant (1).
Genome position (GRCh38, 1-based): chr17:80,208,250, G>A. VCF-style: chr17-80208250-G-A. GRCh37 (hg19) VCF-style: chr17-78182049-G-A.
Other names: c.2920G>A, p.Gly974Ser (NM_024110.4); short protein forms G974S.
Identifiers: ClinVar variation 841714 (VCV000841714.10), dbSNP rs767247623, ClinGen allele CA8817509.

ClinVar aggregate classification (germline): Uncertain significance (1 of 4 stars; one submission).

Conditions:
Pityriasis rubra pilaris (PRP). Also called: Pityriasis rubra pilaris--familial type. Identifiers: Orphanet 2897, MedGen C0032027, MONDO:0100017, OMIM 173200, MONDO:0008251.
Psoriasis 2. Identifiers: MedGen C1864497, MONDO:0011269, OMIM 602723.

Allele frequency attached by ClinVar (database versions not stated): gnomAD 0.00001; TOPMed 0.00002.
gnomAD v4.1: 16 of 1,583,490 alleles (0.001%); highest among the groups gnomAD compares: South Asian, 0.0046%; no homozygotes.

Submission:

Labcorp Genetics (formerly Invitae), Labcorp
Classification: Uncertain significance for Pityriasis rubra pilaris; Psoriasis 2. Last evaluated: 2025-03-12. Review status: criteria provided, single submitter. Criteria: Invitae Variant Classification Sherloc (09022015). Collection method: clinical testing. Allele origin: germline.
Comment: This sequence change replaces glycine, which is neutral and non-polar, with serine, which is neutral and polar, at codon 974 of the CARD14 protein (p.Gly974Ser). This variant is present in population databases (rs767247623, gnomAD 0.006%). This variant has not been reported in the literature in individuals affected with CARD14-related conditions. ClinVar contains an entry for this variant (Variation ID: 841714). Invitae Evidence Modeling of protein sequence and biophysical properties (such as structural, functional, and spatial information, amino acid conservation, physicochemical variation, residue mobility, and thermodynamic stability) indicates that this missense variant is not expected to disrupt CARD14 protein function with a negative predictive value of 95%. In summary, the available evidence is currently insufficient to determine the role of this variant in disease. Therefore, it has been classified as a Variant of Uncertain Significance.